The following is an entry in ClinVar:

ClinVar aggregate classification (germline): Uncertain significance (1 of 4 stars; one submission).

Conditions:
Hereditary cancer-predisposing syndrome. Also called: Neoplastic Syndromes, Hereditary; Tumor predisposition; Hereditary neoplastic syndrome; Hereditary Cancer Syndrome. Identifiers: Orphanet 140162, MedGen C0027672, MeSH D009386, MONDO:0015356.

Submission:

Ambry Genetics
Classification: Uncertain significance for Hereditary cancer-predisposing syndrome. Last evaluated: 2026-07-06. Review status: criteria provided, single submitter. Criteria: Ambry Variant Classification Scheme 2023. Collection method: clinical testing. Allele origin: germline.
Comment: The p.S882L variant (also known as c.2645C>T), located in coding exon 25 of the RB1 gene, results from a C to T substitution at nucleotide position 2645. The serine at codon 882 is replaced by leucine, an amino acid with dissimilar properties. This amino acid position is conserved. In addition, this alteration is predicted to be tolerated by in silico analysis. Based on the available evidence, the clinical significance of this variant remains unclear.

NM_000321.3(RB1):c.2645C>T (p.Ser882Leu)

Gene: RB1 (RB transcriptional corepressor 1; plus strand). Cytogenetic location: 13q14.2.
Variant type: single nucleotide variant.
Coding change: c.2645C>T on transcript NM_000321.3 (MANE Select); coding-DNA position 2645, C replaced by T.
Protein change: p.Ser882Leu; replaces serine 882 with leucine.
Molecular consequence: missense variant.
Genome position (GRCh38, 1-based): chr13:48,476,825, C>T. VCF-style: chr13-48476825-C-T. GRCh37 (hg19) VCF-style: chr13-49050961-C-T.
Other names: c.2645C>T, p.Ser882Leu (NM_001407165.1); c.95C>T, p.Ser32Leu (NM_001407168.1); short protein forms S32L, S882L.
Identifiers: ClinVar variation 5027940 (VCV005027940.1).